The following is an entry in ClinVar:

ClinVar aggregate classification (germline): Uncertain significance (1 of 4 stars; one submission).

Conditions:
Hypertrophic cardiomyopathy. Also called: HYPERTROPHIC MYOCARDIOPATHY. Identifiers: Orphanet 217569, MedGen C0007194, MeSH D002312, MONDO:0005045, HP:0001639.

Allele frequency attached by ClinVar (database versions not stated): gnomAD exomes below 0.00001; gnomAD 0.00001; TOPMed 0.00001.

Submission:

Labcorp Genetics (formerly Invitae), Labcorp
Classification: Uncertain significance for Hypertrophic cardiomyopathy. Last evaluated: 2022-08-09. Review status: criteria provided, single submitter. Criteria: Invitae Variant Classification Sherloc (09022015). Collection method: clinical testing. Allele origin: germline.
Comment: ClinVar contains an entry for this variant (Variation ID: 1385558). This variant has not been reported in the literature in individuals affected with MYOM1-related conditions. This variant is not present in population databases (gnomAD no frequency). This sequence change replaces methionine, which is neutral and non-polar, with isoleucine, which is neutral and non-polar, at codon 1292 of the MYOM1 protein (p.Met1292Ile). Algorithms developed to predict the effect of missense changes on protein structure and function (SIFT, PolyPhen-2, Align-GVGD) all suggest that this variant is likely to be tolerated. In summary, the available evidence is currently insufficient to determine the role of this variant in disease. Therefore, it has been classified as a Variant of Uncertain Significance.

NM_003803.4(MYOM1):c.3876G>A (p.Met1292Ile)

Gene: MYOM1 (myomesin 1; minus strand). Cytogenetic location: 18p11.31.
Variant type: single nucleotide variant.
Coding change: c.3876G>A on transcript NM_003803.4 (MANE Select); coding-DNA position 3876, G replaced by A.
Protein change: p.Met1292Ile; replaces methionine 1292 with isoleucine.
Molecular consequence: missense variant.
Genome position (GRCh38, 1-based): chr18:3,090,791, C>T on the plus strand (G>A on the coding strand, the complement: MYOM1 is on the minus strand). VCF-style: chr18-3090791-C-T. GRCh37 (hg19) VCF-style: chr18-3090789-C-T.
Other names: c.3588G>A, p.Met1196Ile (NM_019856.2); short protein forms M1292I, M1196I.
Identifiers: ClinVar variation 1385558 (VCV001385558.6), dbSNP rs1329139893, ClinGen allele CA401712539.